The following is an entry in ClinVar:

NM_198253.3(TERT):c.820T>A (p.Ser274Thr)

Gene: TERT (telomerase reverse transcriptase; minus strand). Cytogenetic location: 5p15.33.
Variant type: single nucleotide variant.
Coding change: c.820T>A on transcript NM_198253.3 (MANE Select); coding-DNA position 820, T replaced by A.
Protein change: p.Ser274Thr; replaces serine 274 with threonine.
Molecular consequence: missense variant. On other transcripts: non-coding transcript variant (2).
Genome position (GRCh38, 1-based): chr5:1,294,066, A>T on the plus strand (T>A on the coding strand, the complement: TERT is on the minus strand). VCF-style: chr5-1294066-A-T. GRCh37 (hg19) VCF-style: chr5-1294181-A-T.
Other names: c.820T>A, p.Ser274Thr (NM_001193376.3); short protein forms S274T.
Identifiers: ClinVar variation 853539 (VCV000853539.12), dbSNP rs1751200603, ClinGen allele CA359056640.

ClinVar aggregate classification (germline): Conflicting classifications of pathogenicity. Review status: criteria provided, conflicting classifications (1 of 4 stars). 2 submissions from 2 submitters: Uncertain significance (1); Likely benign (1). Last evaluated 2022-07-11.

Conditions:
Idiopathic Pulmonary Fibrosis. Also called: Idiopathic fibrosing alveolitis, chronic form; idiopathic fibrosing alveolitis. Identifiers: Orphanet 2032, MedGen C1800706, MeSH D054990, MONDO:0800504.
Dyskeratosis congenita, autosomal dominant 2. Identifiers: MedGen C3151443, MONDO:0013521, OMIM 613989.
Dyskeratosis congenita. Identifiers: Orphanet 1775, MedGen C0265965, MONDO:0015780.

Allele frequency attached by ClinVar (database versions not stated): gnomAD exomes below 0.00001.
gnomAD v4.1: 1 of 1,589,670 alleles (0.000063%); highest among the groups gnomAD compares: Non-Finnish European, 0.000085%; no homozygotes.

Submissions (2):

Ambry Genetics
Classification: Likely benign for Dyskeratosis congenita. Last evaluated: 2022-07-11. Review status: criteria provided, single submitter. Criteria: Ambry Variant Classification Scheme 2023. Collection method: clinical testing. Allele origin: germline.

Labcorp Genetics (formerly Invitae), Labcorp
Classification: Uncertain significance for Dyskeratosis congenita, autosomal dominant 2; Idiopathic Pulmonary Fibrosis. Last evaluated: 2019-11-27. Review status: criteria provided, single submitter. Criteria: Invitae Variant Classification Sherloc (09022015). Collection method: clinical testing. Allele origin: germline.
Comment: This sequence change replaces serine with threonine at codon 274 of the TERT protein (p.Ser274Thr). The serine residue is weakly conserved and there is a small physicochemical difference between serine and threonine. This variant is not present in population databases (ExAC no frequency). This variant has not been reported in the literature in individuals with TERT-related conditions. Algorithms developed to predict the effect of missense changes on protein structure and function output the following: SIFT: "Tolerated"; PolyPhen-2: "Benign"; Align-GVGD: "Class C0". The threonine amino acid residue is found in multiple mammalian species, suggesting that this missense change does not adversely affect protein function. These predictions have not been confirmed by published functional studies and their clinical significance is uncertain. In summary, the available evidence is currently insufficient to determine the role of this variant in disease. Therefore, it has been classified as a Variant of Uncertain Significance.